The following is an entry in ClinVar:

NM_001257180.2(SLC20A2):c.1290C>G (p.Tyr430Ter)

Gene: SLC20A2 (solute carrier family 20 member 2; minus strand). Cytogenetic location: 8p11.21.
Variant type: single nucleotide variant.
Coding change: c.1290C>G on transcript NM_001257180.2 (MANE Select); coding-DNA position 1290, C replaced by G.
Protein change: p.Tyr430Ter; replaces tyrosine 430 with a stop codon.
Molecular consequence: nonsense.
Genome position (GRCh38, 1-based): chr8:42,437,222, G>C on the plus strand (C>G on the coding strand, the complement: SLC20A2 is on the minus strand). VCF-style: chr8-42437222-G-C. GRCh37 (hg19) VCF-style: chr8-42294740-G-C.
Other names: c.1290C>G, p.Tyr430Ter (NM_001257181.2, NM_006749.5); short protein forms Y430*.
Identifiers: ClinVar variation 3345384 (VCV003345384.1).

ClinVar aggregate classification (germline): Likely pathogenic (0 of 4 stars; one submission).

Conditions:
SLC20A2-related disorder. Also called: SLC20A2-related condition.

Submission:

PreventionGenetics, part of Exact Sciences
Classification: Likely pathogenic for SLC20A2-related condition. Last evaluated: 2024-06-21. Review status: no assertion criteria provided. Collection method: clinical testing. Allele origin: germline.
Comment: The SLC20A2 c.1290C>G variant is predicted to result in premature protein termination (p.Tyr430*). To our knowledge, this variant has not been reported in the literature or in a large population database, indicating this variant is rare. Nonsense variants in SLC20A2 are expected to be pathogenic. This variant is interpreted as likely pathogenic.